The following is an entry in ClinVar:

NM_000359.3(TGM1):c.802del (p.Val268fs)

Gene: TGM1 (transglutaminase 1; minus strand). Cytogenetic location: 14q12.
Variant type: Deletion.
Coding change: c.802del on transcript NM_000359.3 (MANE Select); coding-DNA position 802, one base deleted (G; older notation c.802delG).
Protein change: p.Val268fs; shifts the reading frame from valine 268.
Molecular consequence: frameshift variant.
Genome position (GRCh38, 1-based): chr14:24,260,014, C deleted on the plus strand (G on the coding strand, the reverse complement: TGM1 is on the minus strand). VCF-style (leftmost placement, unchanged base first): chr14-24260013-AC-A. GRCh37 (hg19) VCF-style: chr14-24729219-AC-A.
Other names: c.802del (NM_000359.2); short protein forms V268fs.
Identifiers: ClinVar variation 556211 (VCV000556211.20), dbSNP rs1322979131, ClinGen allele CA658824899.

ClinVar aggregate classification (germline): Pathogenic/Likely pathogenic. Review status: criteria provided, multiple submitters, no conflicts (2 of 4 stars). 8 submissions from 8 submitters: Pathogenic (4); Likely pathogenic (2). 2 of the submissions do not count toward it. Last evaluated 2024-06-22.

Conditions:
Lamellar ichthyosis. Identifiers: Orphanet 313, MedGen C5848247, MONDO:0017778.
Autosomal recessive congenital ichthyosis 1 (LI1). Also called: ICHTHYOSIS, CONGENITAL, AUTOSOMAL RECESSIVE 1, WITH BATHING SUIT DISTRIBUTION; ICHTHYOSIS, CONGENITAL, AUTOSOMAL RECESSIVE 1, WITH OR WITHOUT BATHING SUIT DISTRIBUTION; COLLODION FETUS; DESQUAMATION OF NEWBORN; ICHTHYOSIS CONGENITA; ICHTHYOSIS CONGENITA II. Identifiers: MedGen C4551630, MONDO:0009441, OMIM 242300.

Allele frequency attached by ClinVar (database versions not stated): gnomAD exomes below 0.00001; gnomAD 0.00001; TOPMed 0.00002.

Submissions (8):

Fulgent Genetics
Classification: Likely pathogenic for Autosomal recessive congenital ichthyosis 1. Last evaluated: 2024-06-22. Review status: criteria provided, single submitter. Criteria: ACMG Guidelines, 2015. Collection method: clinical testing. Allele origin: germline.

Baylor Genetics
Classification: Pathogenic for Autosomal recessive congenital ichthyosis 1. Last evaluated: 2023-11-26. Review status: criteria provided, single submitter. Criteria: ACMG Guidelines, 2015. Collection method: clinical testing. Allele origin: unknown.

Labcorp Genetics (formerly Invitae), Labcorp
Classification: Pathogenic. Last evaluated: 2023-09-15. Review status: criteria provided, single submitter. Criteria: Invitae Variant Classification Sherloc (09022015). Collection method: clinical testing. Allele origin: germline.
Comment: For these reasons, this variant has been classified as Pathogenic. ClinVar contains an entry for this variant (Variation ID: 556211). This premature translational stop signal has been observed in individual(s) with congenital ichthyosis (PMID: 19241467). This variant is not present in population databases (gnomAD no frequency). This sequence change creates a premature translational stop signal (p.Val268Phefs*62) in the TGM1 gene. It is expected to result in an absent or disrupted protein product. Loss-of-function variants in TGM1 are known to be pathogenic (PMID: 18948357, 19241467).

Women's Health and Genetics/Laboratory Corporation of America, LabCorp
Classification: Pathogenic for Lamellar ichthyosis. Last evaluated: 2022-02-26. Review status: criteria provided, single submitter. Criteria: LabCorp Variant Classification Summary - May 2015. Collection method: clinical testing. Allele origin: germline.
Comment: Variant summary: TGM1 c.802delG (p.Val268PhefsX62) results in a premature termination codon, predicted to cause a truncation of the encoded protein or absence of the protein due to nonsense mediated decay, which are commonly known mechanisms for disease. The variant was absent in 251428 control chromosomes. c.802delG has been reported in the literature as a compound heterozygous genotype with another pathogenic variant in the TGM1 gene inat-least one individual affected with Autosomal Recessive Congenital Ichthyosis (ARCI) (example, Herman_2009). To our knowledge, no experimental evidence demonstrating an impact on protein function has been reported. Two clinical diagnostic laboratories have submitted clinical-significance assessments for this variant to ClinVar after 2014 without evidence for independent evaluation. All laboratories classified the variant as pathogenic/likely pathogenic. Based on the evidence outlined above, the variant was classified as pathogenic.

GeneDx
Classification: Pathogenic. Last evaluated: 2022-02-14. Review status: criteria provided, single submitter. Criteria: GeneDx Variant Classification Process June 2021. Collection method: clinical testing. Allele origin: germline. Affected: yes.
Comment: Frameshift variant predicted to result in protein truncation or nonsense mediated decay in a gene for which loss-of-function is a known mechanism of disease; Not observed at significant frequency in large population cohorts (gnomAD); This variant is associated with the following publications: (PMID: 19241467)

Genome-Nilou Lab
Classification: Likely pathogenic for Autosomal recessive congenital ichthyosis 1. Review status: criteria provided, single submitter. Criteria: ACMG Guidelines, 2015. Collection method: clinical testing. Allele origin: germline.

Natera, Inc.
Classification: Pathogenic for Autosomal recessive congenital ichthyosis type 1. Last evaluated: 2020-09-22. Review status: no assertion criteria provided. Collection method: clinical testing. Allele origin: germline. Not counted in ClinVar's aggregate classification.

Counsyl
Classification: Likely pathogenic for Autosomal recessive congenital ichthyosis 1. Last evaluated: 2018-01-18. Review status: no assertion criteria provided. Collection method: clinical testing. Allele origin: unknown. Not counted in ClinVar's aggregate classification.

Literature cited by the submitters: PubMed 19241467 (cited by 3 submitters); PubMed 18948357 (cited by Labcorp Genetics (formerly Invitae), Labcorp).